The following is an entry in ClinVar:

NM_002439.5(MSH3):c.1081A>G (p.Thr361Ala)

Gene: MSH3 (mutS homolog 3; plus strand). Cytogenetic location: 5q14.1.
Variant type: single nucleotide variant.
Coding change: c.1081A>G on transcript NM_002439.5 (MANE Select); coding-DNA position 1081, A replaced by G.
Protein change: p.Thr361Ala; replaces threonine 361 with alanine.
Molecular consequence: missense variant.
Genome position (GRCh38, 1-based): chr5:80,675,036, A>G. VCF-style: chr5-80675036-A-G. GRCh37 (hg19) VCF-style: chr5-79970855-A-G.
Other names: short protein forms T361A.
Identifiers: ClinVar variation 1475015 (VCV001475015.11), dbSNP rs2112815980, ClinGen allele CA360268023.

ClinVar aggregate classification (germline): Uncertain significance. Review status: criteria provided, multiple submitters, no conflicts (2 of 4 stars). 2 submissions from 2 submitters: Uncertain significance (2). Last evaluated 2024-10-22.

Conditions:
Hereditary cancer-predisposing syndrome. Also called: Neoplastic Syndromes, Hereditary; Hereditary Cancer Syndrome; Tumor predisposition; Hereditary neoplastic syndrome. Identifiers: Orphanet 140162, MedGen C0027672, MeSH D009386, MONDO:0015356.

Allele frequency attached by ClinVar (database versions not stated): gnomAD exomes below 0.00001.
gnomAD v4.1: 6 of 1,613,190 alleles (0.00037%); highest among the groups gnomAD compares: Non-Finnish European, 0.00051%; no homozygotes.

Submissions (2):

Labcorp Genetics (formerly Invitae), Labcorp
Classification: Uncertain significance. Last evaluated: 2024-10-22. Review status: criteria provided, single submitter. Criteria: Invitae Variant Classification Sherloc (09022015). Collection method: clinical testing. Allele origin: germline.
Comment: This sequence change replaces threonine, which is neutral and polar, with alanine, which is neutral and non-polar, at codon 361 of the MSH3 protein (p.Thr361Ala). This variant is not present in population databases (gnomAD no frequency). This variant has not been reported in the literature in individuals affected with MSH3-related conditions. ClinVar contains an entry for this variant (Variation ID: 1475015). An algorithm developed to predict the effect of missense changes on protein structure and function (PolyPhen-2) suggests that this variant is likely to be tolerated. In summary, the available evidence is currently insufficient to determine the role of this variant in disease. Therefore, it has been classified as a Variant of Uncertain Significance.

Ambry Genetics
Classification: Uncertain significance for Hereditary cancer-predisposing syndrome. Last evaluated: 2024-06-29. Review status: criteria provided, single submitter. Criteria: Ambry Variant Classification Scheme 2023. Collection method: clinical testing. Allele origin: germline.
Comment: The p.T361A variant (also known as c.1081A>G), located in coding exon 7 of the MSH3 gene, results from an A to G substitution at nucleotide position 1081. The threonine at codon 361 is replaced by alanine, an amino acid with similar properties. This amino acid position is not well conserved in available vertebrate species. In addition, this alteration is predicted to be tolerated by in silico analysis. Since supporting evidence is limited at this time, the clinical significance of this alteration remains unclear.